The following is an entry in ClinVar:

ClinVar aggregate classification (germline): Pathogenic. Review status: criteria provided, multiple submitters, no conflicts (2 of 4 stars). 2 submissions from 2 submitters: Pathogenic (2). Last evaluated 2020-10-06.

Conditions:
Catecholaminergic polymorphic ventricular tachycardia 1. Also called: VENTRICULAR TACHYCARDIA, CATECHOLAMINERGIC POLYMORPHIC, 1, WITH OR WITHOUT ATRIAL DYSFUNCTION AND/OR DILATED CARDIOMYOPATHY; VENTRICULAR TACHYCARDIA, STRESS-INDUCED POLYMORPHIC 1; RYR2-Related Catecholaminergic Polymorphic Ventricular Tachycardia. Identifiers: Orphanet 3286, MedGen C1631597, MONDO:0011484, OMIM 604772.

Submissions (2):

GeneDx
Classification: Pathogenic. Last evaluated: 2020-10-06. Review status: criteria provided, single submitter. Criteria: GeneDx Variant Classification Process June 2021. Collection method: clinical testing. Allele origin: germline. Affected: yes.
Comment: Not observed in large population cohorts (Lek et al., 2016); In silico analysis supports that this missense variant has a deleterious effect on protein structure/function; This variant is associated with the following publications: (PMID: 30170228, 25356899)

MVZ Martinsried, Medicover Genetics
Classification: Pathogenic for Catecholaminergic polymorphic ventricular tachycardia 1. Last evaluated: 2019-03-25. Review status: criteria provided, single submitter. Criteria: ACMG Guidelines, 2015. Collection method: clinical testing. Allele origin: unknown. Affected: yes.

NM_001035.3(RYR2):c.14864G>A (p.Gly4955Glu)

Gene: RYR2 (ryanodine receptor 2; plus strand). Cytogenetic location: 1q43.
Variant type: single nucleotide variant.
Coding change: c.14864G>A on transcript NM_001035.3 (MANE Select); coding-DNA position 14864, G replaced by A.
Protein change: p.Gly4955Glu; replaces glycine 4955 with glutamic acid.
Molecular consequence: missense variant.
Genome position (GRCh38, 1-based): chr1:237,832,607, G>A. VCF-style: chr1-237832607-G-A. GRCh37 (hg19) VCF-style: chr1-237995907-G-A.
Other names: c.14864G>A, p.Gly4955Glu (LRG_402t1); short protein forms G4955E.
Identifiers: ClinVar variation 449306 (VCV000449306.4), dbSNP rs1553343100, ClinGen allele CA345410956.